The following is an entry in ClinVar:

ClinVar aggregate classification (germline): Pathogenic (1 of 4 stars; one submission).

Conditions:
Mucopolysaccharidosis, MPS-III-B (MPS3B). Also called: N-ACETYL-ALPHA-D-GLUCOSAMINIDASE DEFICIENCY; NAGLU DEFICIENCY; SANFILIPPO SYNDROME B; MPS III B; MPS IIIB (Sanfilippo Syndrome Type B); MUCOPOLYSACCHARIDOSIS, TYPE IIIB. Identifiers: Orphanet 79270, MedGen C0086648, MONDO:0009656, OMIM 252920.
Charcot-Marie-Tooth disease axonal type 2V. Also called: CHARCOT-MARIE-TOOTH NEUROPATHY, TYPE 2V; CHARCOT-MARIE-TOOTH DISEASE, AXONAL, AUTOSOMAL DOMINANT, TYPE 2V. Identifiers: Orphanet 447964, MedGen C5569050, MONDO:0014665, OMIM 616491.

Submission:

Labcorp Genetics (formerly Invitae), Labcorp
Classification: Pathogenic for Charcot-Marie-Tooth disease axonal type 2V; Mucopolysaccharidosis, MPS-III-B. Last evaluated: 2021-05-29. Review status: criteria provided, single submitter. Criteria: Invitae Variant Classification Sherloc (09022015). Collection method: clinical testing. Allele origin: germline.
Comment: For these reasons, this variant has been classified as Pathogenic. This variant has not been reported in the literature in individuals with NAGLU-related conditions. This variant is not present in population databases (ExAC no frequency). This sequence change creates a premature translational stop signal (p.Trp210Hisfs*64) in the NAGLU gene. It is expected to result in an absent or disrupted protein product. Loss-of-function variants in NAGLU are known to be pathogenic (PMID: 9832037, 10094189, 16151907).

Literature cited by the submitters: PubMed 9832037; PubMed 10094189; PubMed 16151907.

NM_000263.4(NAGLU):c.623_626dup (p.Trp210fs)

Gene: NAGLU (N-acetyl-alpha-glucosaminidase; plus strand). Cytogenetic location: 17q21.2.
Variant type: Microsatellite.
Coding change: c.623_626dup on transcript NM_000263.4 (MANE Select); coding-DNA positions 623 to 626, 4 bases duplicated (ACAC; older notation c.623_626dupACAC).
Protein change: p.Trp210fs; shifts the reading frame from tryptophan 210.
Molecular consequence: frameshift variant.
Genome position (GRCh38, 1-based): chr17:42,538,430-42,538,433, ACAC duplicated; duplicating any 4 consecutive bases within chr17:42,538,429-42,538,433 gives the same sequence; the c. name uses the placement nearest the transcript's 3' end. VCF-style (leftmost placement, unchanged base first): chr17-42538428-G-GCACA. GRCh37 (hg19) VCF-style: chr17-40690446-G-GCACA.
Other names: short protein forms W210fs.
Identifiers: ClinVar variation 1459884 (VCV001459884.6), dbSNP rs2143086826, ClinGen allele CA2580613140.